The following is an entry in ClinVar:

ClinVar aggregate classification (germline): Uncertain significance (1 of 4 stars; one submission).

Conditions:
Primary ciliary dyskinesia. Also called: Ciliary dyskinesia. Identifiers: Orphanet 244, MedGen C0008780, MONDO:0016575, HP:0012265.

Submission:

Labcorp Genetics (formerly Invitae), Labcorp
Classification: Uncertain significance for Primary ciliary dyskinesia. Last evaluated: 2020-05-21. Review status: criteria provided, single submitter. Criteria: Invitae Variant Classification Sherloc (09022015). Collection method: clinical testing. Allele origin: germline.
Comment: This sequence change replaces glutamic acid with aspartic acid at codon 626 of the CCDC114 protein (p.Glu626Asp). The glutamic acid residue is weakly conserved and there is a small physicochemical difference between glutamic acid and aspartic acid. This variant is not present in population databases (ExAC no frequency). This variant has not been reported in the literature in individuals with CCDC114-related conditions. Algorithms developed to predict the effect of missense changes on protein structure and function (SIFT, PolyPhen-2, Align-GVGD) all suggest that this variant is likely to be tolerated, but these predictions have not been confirmed by published functional studies and their clinical significance is uncertain. In summary, the available evidence is currently insufficient to determine the role of this variant in disease. Therefore, it has been classified as a Variant of Uncertain Significance.

NM_001364171.2(ODAD1):c.1989G>T (p.Glu663Asp)

Gene: ODAD1 (outer dynein arm docking complex subunit 1; minus strand). Cytogenetic location: 19q13.33.
Variant type: single nucleotide variant.
Coding change: c.1989G>T on transcript NM_001364171.2 (MANE Select); coding-DNA position 1989, G replaced by T.
Protein change: p.Glu663Asp; replaces glutamic acid 663 with aspartic acid.
Molecular consequence: missense variant.
Genome position (GRCh38, 1-based): chr19:48,297,111, C>A on the plus strand (G>T on the coding strand, the complement: ODAD1 is on the minus strand). VCF-style: chr19-48297111-C-A. GRCh37 (hg19) VCF-style: chr19-48800368-C-A.
Other names: c.1878G>T, p.Glu626Asp (NM_144577.4); short protein forms E626D, E663D.
Identifiers: ClinVar variation 1059398 (VCV001059398.9), dbSNP rs1600854444, ClinGen allele CA406651296.
Genomic context (GRCh38, chr19:48,297,111, plus strand): 5'-TCTGCTGGACCCGAGGCCTCCGCTCGAATCAGACGCTGTGCCTCCGCTCTCCACACCACC[C>A]TCTGTGTTTTCTCCGCCCCTGCTGGACCCCACGTATCCAGTGGAGCCCAGGTAGCTGCTG-3'
Protein context (NP_001351100.1, residues 653-673): VGSSRGGENT[Glu663Asp]GGVESGGTAS